The following is an entry in ClinVar:

NM_000069.3(CACNA1S):c.2475T>C (p.Asp825=)

Gene: CACNA1S (calcium voltage-gated channel subunit alpha1 S; minus strand). Cytogenetic location: 1q32.1.
Variant type: single nucleotide variant.
Coding change: c.2475T>C on transcript NM_000069.3 (MANE Select); coding-DNA position 2475, T replaced by C.
Protein change: p.Asp825=; no amino-acid change (aspartic acid 825 retained).
Molecular consequence: synonymous variant.
Genome position (GRCh38, 1-based): chr1:201,069,487, A>G on the plus strand (T>C on the coding strand, the complement: CACNA1S is on the minus strand). VCF-style: chr1-201069487-A-G. GRCh37 (hg19) VCF-style: chr1-201038615-A-G.
Identifiers: ClinVar variation 3386347 (VCV003386347.2).

ClinVar aggregate classification (germline): Likely benign. Review status: criteria provided, multiple submitters, no conflicts (2 of 4 stars). 2 submissions from 2 submitters: Likely benign (2). Last evaluated 2025-11-28.

Conditions:
Malignant hyperthermia, susceptibility to, 5 (MHS5). Also called: CACNA1S-Related Malignant Hyperthermia Susceptibility. Identifiers: Orphanet 423, MedGen C1866077, MONDO:0011163, OMIM 601887.
Hypokalemic periodic paralysis, type 1. Also called: Hypokalemic Periodic Paralysis Type 1 (AD); HypoPP. Identifiers: Orphanet 681, MedGen C3714580, MONDO:0042979, OMIM 170400.

gnomAD v4.1: 1 of 1,603,670 alleles (0.000062%); highest among the groups gnomAD compares: Non-Finnish European, 0.000085%; no homozygotes.

Submissions (2):

Labcorp Genetics (formerly Invitae), Labcorp
Classification: Likely benign for Hypokalemic periodic paralysis, type 1; Malignant hyperthermia, susceptibility to, 5. Last evaluated: 2025-11-28. Review status: criteria provided, single submitter. Criteria: Invitae Variant Classification Sherloc (09022015). Collection method: clinical testing. Allele origin: germline.

All of Us Research Program, National Institutes of Health
Classification: Likely benign for Malignant hyperthermia, susceptibility to, 5. Last evaluated: 2024-02-22. Review status: criteria provided, single submitter. Criteria: ACMG Guidelines, 2015. Collection method: clinical testing. Allele origin: germline. Inheritance: Autosomal dominant inheritance. Observed: 1 variant allele, 1 heterozygote.
Comment: This study involves interpretation of variants in research participants for the purpose of population health screening. Participant phenotype was not available at the time of variant classification. Additional details can be found in publication PMID: 35346344, PMCID: PMC8962531